The following is an entry in ClinVar:

ClinVar aggregate classification (germline): Pathogenic (1 of 4 stars; one submission).

Conditions:
Multiple congenital exostosis (EXT). Also called: Hereditary multiple exostoses; Hereditary multiple exostosis; MULTIPLE CARTILAGINOUS EXOSTOSES; Multiple exostoses; Hereditary multiple osteochondromas; Multiple osteochondromas. Identifiers: Orphanet 321, MedGen C0015306, MONDO:0005508, HP:0002762.

Submission:

Labcorp Genetics (formerly Invitae), Labcorp
Classification: Pathogenic for Multiple congenital exostosis. Last evaluated: 2020-02-12. Review status: criteria provided, single submitter. Criteria: Invitae Variant Classification Sherloc (09022015). Collection method: clinical testing. Allele origin: germline.
Comment: This variant results in the deletion of part of exon 1 (c.540_962+399del) of the EXT1 gene. It is expected to disrupt RNA splicing and likely results in an absent or disrupted protein product. This variant is not present in population databases (ExAC no frequency). This variant has not been reported in the literature in individuals with EXT1-related conditions. This variant disrupts the p.Arg280 amino acid residue in EXT1. Other variant(s) that disrupt this residue have been determined to be pathogenic (PMID: 9521425, 9463333). This suggests that this residue is clinically-significant, and that variants that disrupt this residue are likely to be disease-causing. Loss-of-function variants in EXT1 are known to be pathogenic (PMID: 10679937, 11391482, 19810120). For these reasons, this variant has been classified as Pathogenic.

Literature cited by the submitters: PubMed 9521425; PubMed 9463333; PubMed 10679937; PubMed 11391482; PubMed 19810120.

NM_000127.3(EXT1):c.540_962+399del

Gene: EXT1 (exostosin glycosyltransferase 1; minus strand). Cytogenetic location: 8q24.11.
Variant type: Deletion.
Coding change: c.540_962+399del on transcript NM_000127.3 (MANE Select); coding-DNA position 540 through 399 bases into the intron after coding-DNA position 962, 822 bases deleted.
Molecular consequence: splice donor variant.
Genome position (GRCh38, 1-based): chr8:118,109,686-118,110,507, 822 bases deleted. GRCh37 (hg19): chr8:119,121,930-119,122,751.
Identifiers: ClinVar variation 1068794 (VCV001068794.7), dbSNP rs2130039927, ClinGen allele CA2499219105.